The following is an entry in ClinVar:

ClinVar aggregate classification (germline): Conflicting classifications of pathogenicity. Review status: criteria provided, conflicting classifications (1 of 4 stars). 3 submissions from 3 submitters: Uncertain significance (2); Likely benign (1). Last evaluated 2025-07-23.

Conditions:
Hereditary cancer-predisposing syndrome. Also called: Neoplastic Syndromes, Hereditary; Tumor predisposition; Hereditary Cancer Syndrome; Hereditary neoplastic syndrome. Identifiers: Orphanet 140162, MedGen C0027672, MeSH D009386, MONDO:0015356.
Familial cancer of breast. Also called: BREAST CANCER, FAMILIAL; hereditary breast carcinoma; Hereditary breast cancer. Identifiers: Orphanet 227535, MedGen C0346153, MONDO:0016419, OMIM 114480. Disease mechanism: loss of function.

Submissions (3):

Labcorp Genetics (formerly Invitae), Labcorp
Classification: Uncertain significance for Familial cancer of breast. Last evaluated: 2025-07-23. Review status: criteria provided, single submitter. Criteria: Invitae Variant Classification Sherloc (09022015). Collection method: clinical testing. Allele origin: germline.
Comment: This sequence change replaces leucine, which is neutral and non-polar, with phenylalanine, which is neutral and non-polar, at codon 530 of the PALB2 protein (p.Leu530Phe). This variant is not present in population databases (gnomAD no frequency). This missense change has been observed in individual(s) with breast cancer (PMID: 35264596). ClinVar contains an entry for this variant (Variation ID: 232283). Invitae Evidence Modeling of protein sequence and biophysical properties (such as structural, functional, and spatial information, amino acid conservation, physicochemical variation, residue mobility, and thermodynamic stability) indicates that this missense variant is not expected to disrupt PALB2 protein function with a negative predictive value of 80%. In summary, the available evidence is currently insufficient to determine the role of this variant in disease. Therefore, it has been classified as a Variant of Uncertain Significance.

Ambry Genetics
Classification: Likely benign for Hereditary cancer-predisposing syndrome. Last evaluated: 2024-12-27. Review status: criteria provided, single submitter. Criteria: Ambry Variant Classification Scheme 2023. Collection method: clinical testing. Allele origin: germline.

Mendelics
Classification: Uncertain significance for Familial cancer of breast. Last evaluated: 2019-05-28. Review status: criteria provided, single submitter. Criteria: Mendelics Assertion Criteria 2017. Collection method: clinical testing. Allele origin: unknown.

Literature cited by the submitters: PubMed 35264596 (cited by Labcorp Genetics (formerly Invitae), Labcorp).

NM_024675.4(PALB2):c.1588C>T (p.Leu530Phe)

Gene: PALB2 (partner and localizer of BRCA2; minus strand). Cytogenetic location: 16p12.2.
Variant type: single nucleotide variant.
Coding change: c.1588C>T on transcript NM_024675.4 (MANE Select); coding-DNA position 1588, C replaced by T.
Protein change: p.Leu530Phe; replaces leucine 530 with phenylalanine.
Molecular consequence: missense variant.
Genome position (GRCh38, 1-based): chr16:23,634,958, G>A on the plus strand (C>T on the coding strand, the complement: PALB2 is on the minus strand). VCF-style: chr16-23634958-G-A. GRCh37 (hg19) VCF-style: chr16-23646279-G-A.
Other names: short protein forms L530F.
Identifiers: ClinVar variation 232283 (VCV000232283.17), dbSNP rs876659671, ClinGen allele CA10580006.